The following is an entry in ClinVar:

NM_198428.3(BBS9):c.2625del (p.Arg876fs)

Gene: BBS9 (Bardet-Biedl syndrome 9; plus strand). Cytogenetic location: 7p14.3.
Variant type: Deletion.
Coding change: c.2625del on transcript NM_198428.3 (MANE Select); coding-DNA position 2625, one base deleted (C; older notation c.2625delC).
Protein change: p.Arg876fs; shifts the reading frame from arginine 876.
Molecular consequence: frameshift variant. On other transcripts: non-coding transcript variant (3), intron variant (1).
Genome position (GRCh38, 1-based): chr7:33,604,968, C deleted; the last of 3 consecutive C bases (chr7:33,604,966-33,604,968); deleting any one gives the same sequence. VCF-style (leftmost placement, unchanged base first): chr7-33604965-AC-A. GRCh37 (hg19) VCF-style: chr7-33644577-AC-A.
Other names: c.2520del, p.Arg841fs (NM_001033604.2); c.2610del, p.Arg871fs (NM_001033605.2); c.2625del, p.Arg876fs (NM_001348036.1, NM_001348041.4, NM_001348043.3); c.2076del, p.Arg693fs (NM_001348037.3); c.2352del, p.Arg785fs (NM_001348038.3); c.2247del, p.Arg750fs (NM_001348039.3); c.2505del, p.Arg836fs (NM_001348040.3, NM_014451.4); c.2490del, p.Arg831fs (NM_001348042.3); and 3 more; short protein forms R871fs, R876fs, R836fs, R693fs, R750fs, R754fs, R785fs, R831fs.
Identifiers: ClinVar variation 3653267 (VCV003653267.2).
Genomic context (GRCh38, chr7:33,604,965, plus strand): 5'-ATCAGTAGAACAAGACTCTACAGAACTGTTTACCAACCACAGACATCTCACTGCAGAGAC[AC>A]CCAGGCCTGGTAAGAGACTGGATGGCCTTCACAAGCGTTAGTTAAGTCAGAAGCAGTGAC-3'

ClinVar aggregate classification (germline): Uncertain significance. Review status: criteria provided, multiple submitters, no conflicts (2 of 4 stars). 2 submissions from 2 submitters: Uncertain significance (2). Last evaluated 2024-11-03.

Conditions:
Bardet-Biedl syndrome (BBS). Identifiers: Orphanet 110, MedGen C0752166, MONDO:0015229.

Submissions (2):

Labcorp Genetics (formerly Invitae), Labcorp
Classification: Uncertain significance for Bardet-Biedl syndrome. Last evaluated: 2024-11-03. Review status: criteria provided, single submitter. Criteria: Invitae Variant Classification Sherloc (09022015). Collection method: clinical testing. Allele origin: germline.
Comment: This sequence change results in a frameshift in the BBS9 gene (p.Arg876Glyfs*68). While this is not anticipated to result in nonsense mediated decay, it is expected to disrupt the last 12 amino acid(s) of the BBS9 protein and extend the protein by 55 additional amino acid residues. This variant is present in population databases (rs747587776, gnomAD 0.002%). This variant has not been reported in the literature in individuals affected with BBS9-related conditions. Experimental studies and prediction algorithms are not available or were not evaluated, and the functional significance of this variant is currently unknown. In summary, the available evidence is currently insufficient to determine the role of this variant in disease. Therefore, it has been classified as a Variant of Uncertain Significance.

Blueprint Genetics
Classification: Uncertain significance. Last evaluated: 2021-12-01. Review status: criteria provided, single submitter. Criteria: ACMG Guidelines, 2015. Collection method: clinical testing. Allele origin: germline.